The following is an entry in ClinVar:

ClinVar aggregate classification (germline): Pathogenic (1 of 4 stars; one submission).

Submission:

Labcorp Genetics (formerly Invitae), Labcorp
Classification: Pathogenic. Last evaluated: 2023-05-13. Review status: criteria provided, single submitter. Criteria: Invitae Variant Classification Sherloc (09022015). Collection method: clinical testing. Allele origin: germline.
Comment: For these reasons, this variant has been classified as Pathogenic. This variant has not been reported in the literature in individuals affected with POLE-related conditions. This variant is not present in population databases (gnomAD no frequency). This sequence change creates a premature translational stop signal (p.Leu72*) in the POLE gene. It is expected to result in an absent or disrupted protein product. Loss-of-function variants in POLE are known to be pathogenic (PMID: 23230001, 25948378, 30503519).

Literature cited by the submitters: PubMed 23230001; PubMed 25948378; PubMed 30503519.

NM_006231.4(POLE):c.215del (p.Ile71_Leu72insTer)

Gene: POLE (DNA polymerase epsilon, catalytic subunit; minus strand). Cytogenetic location: 12q24.33.
Variant type: Deletion.
Coding change: c.215del on transcript NM_006231.4 (MANE Select); coding-DNA position 215, one base deleted (T; older notation c.215delT).
Protein change: p.Ile71_Leu72insTer.
Molecular consequence: nonsense.
Genome position (GRCh38, 1-based): chr12:132,680,677, A deleted on the plus strand (T on the coding strand, the reverse complement: POLE is on the minus strand); the first of 4 consecutive A bases (chr12:132,680,677-132,680,680); deleting any one gives the same sequence. VCF-style (leftmost placement, unchanged base first): chr12-132680676-TA-T. GRCh37 (hg19) VCF-style: chr12-133257262-TA-T.
Identifiers: ClinVar variation 2863811 (VCV002863811.3), dbSNP rs2542194366, ClinGen allele CA2739277404.